The following is an entry in ClinVar:

NM_014991.6(WDFY3):c.4175-2A>G

Gene: WDFY3 (WD repeat and FYVE domain containing 3; minus strand). Cytogenetic location: 4q21.23.
Variant type: single nucleotide variant.
Coding change: c.4175-2A>G on transcript NM_014991.6 (MANE Select); the canonical splice acceptor site of the intron before coding-DNA position 4175, A replaced by G.
Molecular consequence: splice acceptor variant.
Genome position (GRCh38, 1-based): chr4:84,780,300, T>C on the plus strand (A>G on the coding strand, the complement: WDFY3 is on the minus strand). VCF-style: chr4-84780300-T-C. GRCh37 (hg19) VCF-style: chr4-85701453-T-C.
Identifiers: ClinVar variation 4527024 (VCV004527024.1).

ClinVar aggregate classification (germline): Pathogenic (1 of 4 stars; one submission).

Submission:

GeneDx
Classification: Pathogenic. Last evaluated: 2025-05-10. Review status: criteria provided, single submitter. Criteria: GeneDx Variant Classification Process June 2021. Collection method: clinical testing. Allele origin: germline. Affected: yes.
Comment: Canonical splice site variant predicted to result in a null allele in a gene for which loss of function is a known mechanism of disease; Not observed at significant frequency in large population cohorts (gnomAD); Has not been previously published as pathogenic or benign to our knowledge